The following is an entry in ClinVar:

NM_001040716.2(PC):c.1405C>T (p.Gln469Ter)

Gene: PC (pyruvate carboxylase; minus strand). Cytogenetic location: 11q13.2.
Variant type: single nucleotide variant.
Coding change: c.1405C>T on transcript NM_001040716.2 (MANE Select); coding-DNA position 1405, C replaced by T.
Protein change: p.Gln469Ter; replaces glutamine 469 with a stop codon.
Molecular consequence: nonsense.
Genome position (GRCh38, 1-based): chr11:66,853,347, G>A on the plus strand (C>T on the coding strand, the complement: PC is on the minus strand). VCF-style: chr11-66853347-G-A. GRCh37 (hg19) VCF-style: chr11-66620818-G-A.
Other names: c.1405C>T, p.Gln469Ter (NM_000920.4, NM_022172.3); short protein forms Q469*.
Identifiers: ClinVar variation 1919134 (VCV001919134.5), dbSNP rs770383752, ClinGen allele CA381496562.

ClinVar aggregate classification (germline): Pathogenic (1 of 4 stars; one submission).

Conditions:
Pyruvate carboxylase deficiency. Also called: ATAXIA WITH LACTIC ACIDOSIS II; Pyruvate Carboxylase Deficiency Disease; LEIGH NECROTIZING ENCEPHALOPATHY DUE TO PYRUVATE CARBOXYLASE DEFICIENCY; LEIGH SYNDROME DUE TO PYRUVATE CARBOXYLASE DEFICIENCY; PC DEFICIENCY. Identifiers: Orphanet 3008, MedGen C0034341, MONDO:0009949, OMIM 266150.

gnomAD v4.1: 1 of 1,614,140 alleles (0.000062%); highest among the groups gnomAD compares: Non-Finnish European, 0.000085%; no homozygotes.

Submission:

Labcorp Genetics (formerly Invitae), Labcorp
Classification: Pathogenic for Pyruvate carboxylase deficiency. Last evaluated: 2022-03-08. Review status: criteria provided, single submitter. Criteria: Invitae Variant Classification Sherloc (09022015). Collection method: clinical testing. Allele origin: germline.
Comment: For these reasons, this variant has been classified as Pathogenic. This variant has not been reported in the literature in individuals affected with PC-related conditions. This variant is not present in population databases (gnomAD no frequency). This sequence change creates a premature translational stop signal (p.Gln469*) in the PC gene. It is expected to result in an absent or disrupted protein product. Loss-of-function variants in PC are known to be pathogenic (PMID: 12112657, 19306334).

Literature cited by the submitters: PubMed 12112657; PubMed 19306334.